The following is an entry in ClinVar:

NM_004991.4(MECOM):c.3343G>A (p.Glu1115Lys)

Gene: MECOM (MDS1 and EVI1 complex locus; minus strand). Cytogenetic location: 3q26.2.
Variant type: single nucleotide variant.
Coding change: c.3343G>A on transcript NM_004991.4 (MANE Select); coding-DNA position 3343, G replaced by A.
Protein change: p.Glu1115Lys; replaces glutamic acid 1115 with lysine.
Molecular consequence: missense variant.
Genome position (GRCh38, 1-based): chr3:169,090,058, C>T on the plus strand (G>A on the coding strand, the complement: MECOM is on the minus strand). VCF-style: chr3-169090058-C-T. GRCh37 (hg19) VCF-style: chr3-168807846-C-T.
Other names: c.2974G>A, p.Glu992Lys (NM_001105077.4); c.2779G>A, p.Glu927Lys (NM_001105078.4, NM_001205194.2, NM_001366469.2 and 1 more transcripts); c.2755G>A, p.Glu919Lys (NM_001163999.2, NM_001366470.2); c.2752G>A, p.Glu918Lys (NM_001164000.2, NM_001366471.2, NM_001366472.2); c.3316G>A, p.Glu1106Lys (NM_001366466.2); c.2782G>A, p.Glu928Lys (NM_001366467.2, NM_001366468.2); c.2344G>A, p.Glu782Lys (NM_001366473.2); c.1780G>A, p.Glu594Lys (NM_001366474.2); short protein forms E1106K, E782K, E927K, E928K, E1115K, E918K, E919K, E594K.
Identifiers: ClinVar variation 3394324 (VCV003394324.1).
Genomic context (GRCh38, chr3:169,090,058, plus strand): 5'-ACCTCACTGGGGATGTCTTGCAACTCATCTCCAGGGCACTGGTTTCTTCATAGTCATCCT[C>T]AGGGTTTCCTTCATGTAAATTACTTGTCACTGGTTCCTTTCCTGTTTTTCCAGTAATATC-3'
Protein context (NP_004982.2, residues 1105-1125): VTSNLHEGNP[Glu1115Lys]DDYEETSALE

ClinVar aggregate classification (germline): Uncertain significance (1 of 4 stars; one submission).

Conditions:
Inborn genetic diseases. Identifiers: MedGen C0950123, MeSH D030342.

gnomAD v4.1: 25 of 1,613,494 alleles (0.0015%); highest among the groups gnomAD compares: South Asian, 0.021%; no homozygotes.

Submission:

Ambry Genetics
Classification: Uncertain significance for Inborn genetic diseases. Last evaluated: 2024-11-26. Review status: criteria provided, single submitter. Criteria: Ambry Variant Classification Scheme 2023. Collection method: clinical testing. Allele origin: germline.
Comment: The p.E1115K variant (also known as c.3343G>A), located in coding exon 15 of the MECOM gene, results from a G to A substitution at nucleotide position 3343. The glutamic acid at codon 1115 is replaced by lysine, an amino acid with similar properties. This amino acid position is conserved. In addition, this alteration is predicted to be tolerated by in silico analysis. Based on the available evidence, the clinical significance of this variant remains unclear.